The following is an entry in ClinVar:

ClinVar aggregate classification (germline): Uncertain significance (1 of 4 stars; one submission).

Conditions:
Idiopathic generalized epilepsy. Also called: EIG; Generalised epilepsy. Identifiers: MedGen C0270850, MONDO:0005579, OMIM 600669.

Submission:

Labcorp Genetics (formerly Invitae), Labcorp
Classification: Uncertain significance for Idiopathic generalized epilepsy. Last evaluated: 2019-10-23. Review status: criteria provided, single submitter. Criteria: Invitae Variant Classification Sherloc (09022015). Collection method: clinical testing. Allele origin: germline.
Comment: This variant is a gross deletion of the genomic region encompassing exons 3-14 of the CACNB4 gene. The 5' boundary is likely confined to intron 3. The 3' end of this event is unknown as it extends through the termination codon beyond the assayed region for this gene and may encompass additional genes. While this deletion is not anticipated to result in nonsense mediated decay, it is expected to create a truncated protein product or disrupt mRNA translation. This variant has not been reported in the literature in individuals with CACNB4-related conditions. Experimental studies and prediction algorithms are not available or were not evaluated, and the functional significance of this variant is currently unknown. In summary, the available evidence is currently insufficient to determine the role of this variant in disease. Therefore, it has been classified as a Variant of Uncertain Significance.

NC_000002.12:g.(?_151839099)_(151973733_?)del

Gene: CACNB4 (calcium voltage-gated channel auxiliary subunit beta 4; minus strand). Cytogenetic location: 2q23.3.
Variant type: Deletion.
Identifiers: ClinVar variation 833370 (VCV000833370.1).